The following is an entry in ClinVar:

NM_001288705.3(CSF1R):c.2319T>C (p.Asn773=)

Gene: CSF1R (colony stimulating factor 1 receptor; minus strand). Cytogenetic location: 5q32.
Variant type: single nucleotide variant.
Coding change: c.2319T>C on transcript NM_001288705.3 (MANE Select); coding-DNA position 2319, T replaced by C.
Protein change: p.Asn773=; no amino-acid change (asparagine 773 retained).
Molecular consequence: synonymous variant. On other transcripts: non-coding transcript variant (2).
Genome position (GRCh38, 1-based): chr5:150,057,287, A>G on the plus strand (T>C on the coding strand, the complement: CSF1R is on the minus strand). VCF-style: chr5-150057287-A-G. GRCh37 (hg19) VCF-style: chr5-149436850-A-G.
Other names: c.2319T>C, p.Asn773= (NM_001349736.2, NM_001375320.1, NM_005211.4); c.1875T>C, p.Asn625= (NM_001375321.1).
Identifiers: ClinVar variation 2655902 (VCV002655902.24), dbSNP rs1181228040, ClinGen allele CA447156427.
Genomic context (GRCh38, chr5:150,057,287, plus strand): 5'-TCCAGCCTCCCCGGAGCACAGACCTGGGTGGCTATGAGCCAGGGCCAGGTTCCTACTCAC[A>G]TTCTTGGAAGCGAGGAAGGCCATGCCCTGGGCTACTTGGCTGGAGAAGTGAAGCAGGTCC-3'
Protein context (NP_001275634.1, residues 763-783): AQGMAFLASK[Asn773=]CIHRDVAARN

ClinVar aggregate classification (germline): Likely benign (1 of 4 stars; one submission).

Allele frequency attached by ClinVar (database versions not stated): gnomAD exomes below 0.00001; gnomAD 0.00001.
gnomAD v4.1: 2 of 1,612,496 alleles (0.00012%); highest among the groups gnomAD compares: Admixed American, 0.0017%; no homozygotes.

Submission:

CeGaT Center for Human Genetics Tuebingen
Classification: Likely benign. Last evaluated: 2023-09-01. Review status: criteria provided, single submitter. Criteria: CeGaT Center For Human Genetics Tuebingen Variant Classification Criteria Version 2. Collection method: clinical testing. Allele origin: germline. Affected: yes. Observed: 1 variant allele.
Comment: CSF1R: BP4, BP7